The following is an entry in ClinVar:

ClinVar aggregate classification (germline): Uncertain significance. Review status: criteria provided, multiple submitters, no conflicts (2 of 4 stars). 2 submissions from 2 submitters: Uncertain significance (2). Last evaluated 2025-07-09.

gnomAD v4.1: 42 of 1,608,378 alleles (0.0026%); highest among the groups gnomAD compares: South Asian, 0.022%; no homozygotes.

Submissions (2):

Labcorp Genetics (formerly Invitae), Labcorp
Classification: Uncertain significance. Last evaluated: 2025-07-09. Review status: criteria provided, single submitter. Criteria: Invitae Variant Classification Sherloc (09022015). Collection method: clinical testing. Allele origin: germline.
Comment: This sequence change replaces valine, which is neutral and non-polar, with methionine, which is neutral and non-polar, at codon 188 of the KANK2 protein (p.Val188Met). This variant is present in population databases (rs551852894, gnomAD 0.03%). This variant has not been reported in the literature in individuals affected with KANK2-related conditions. An algorithm developed to predict the effect of missense changes on protein structure and function (PolyPhen-2) suggests that this variant is likely to be disruptive. In summary, the available evidence is currently insufficient to determine the role of this variant in disease. Therefore, it has been classified as a Variant of Uncertain Significance.

Ambry Genetics
Classification: Uncertain significance. Last evaluated: 2025-03-18. Review status: criteria provided, single submitter. Criteria: Ambry Variant Classification Scheme 2023. Collection method: clinical testing. Allele origin: germline.

NM_001136191.3(KANK2):c.562G>A (p.Val188Met)

Gene: KANK2 (KN motif and ankyrin repeat domains 2; minus strand). Cytogenetic location: 19p13.2.
Variant type: single nucleotide variant.
Coding change: c.562G>A on transcript NM_001136191.3 (MANE Select); coding-DNA position 562, G replaced by A.
Protein change: p.Val188Met; replaces valine 188 with methionine.
Molecular consequence: missense variant.
Genome position (GRCh38, 1-based): chr19:11,193,518, C>T on the plus strand (G>A on the coding strand, the complement: KANK2 is on the minus strand). VCF-style: chr19-11193518-C-T. GRCh37 (hg19) VCF-style: chr19-11304194-C-T.
Other names: c.562G>A, p.Val188Met (NM_001329451.2, NM_001379548.1, NM_001379549.1 and 15 more transcripts); short protein forms V188M.
Identifiers: ClinVar variation 4041027 (VCV004041027.2).